The following is an entry in ClinVar:

ClinVar aggregate classification (germline): Uncertain significance. Review status: criteria provided, multiple submitters, no conflicts (2 of 4 stars). 3 submissions from 3 submitters: Uncertain significance (2). 1 of the submissions does not count toward it. Last evaluated 2022-07-26.

Conditions:
Schimke immuno-osseous dysplasia (SIOD). Also called: Schimke Immunoosseous Dysplasia. Identifiers: Orphanet 1830, MedGen C0877024, MONDO:0009458, OMIM 242900.

Allele frequency attached by ClinVar (database versions not stated): gnomAD exomes below 0.00001; gnomAD 0.00001; TOPMed 0.00001.
gnomAD v4.1: 9 of 1,614,054 alleles (0.00056%); highest among the groups gnomAD compares: East Asian, 0.0045%; no homozygotes.

Submissions (3):

Labcorp Genetics (formerly Invitae), Labcorp
Classification: Uncertain significance for Schimke immuno-osseous dysplasia. Last evaluated: 2022-07-26. Review status: criteria provided, single submitter. Criteria: Invitae Variant Classification Sherloc (09022015). Collection method: clinical testing. Allele origin: germline.
Comment: This sequence change replaces arginine, which is basic and polar, with cysteine, which is neutral and slightly polar, at codon 754 of the SMARCAL1 protein (p.Arg754Cys). This variant is not present in population databases (gnomAD no frequency). This variant has not been reported in the literature in individuals affected with SMARCAL1-related conditions. ClinVar contains an entry for this variant (Variation ID: 578256). Algorithms developed to predict the effect of missense changes on protein structure and function are either unavailable or do not agree on the potential impact of this missense change (SIFT: "Deleterious"; PolyPhen-2: "Probably Damaging"; Align-GVGD: "Class C0"). In summary, the available evidence is currently insufficient to determine the role of this variant in disease. Therefore, it has been classified as a Variant of Uncertain Significance.

Fulgent Genetics
Classification: Uncertain significance for Schimke immuno-osseous dysplasia. Last evaluated: 2021-11-09. Review status: criteria provided, single submitter. Criteria: ACMG Guidelines, 2015. Collection method: clinical testing. Allele origin: unknown.

Natera, Inc.
Classification: Uncertain significance for Schimke immuno-osseous dysplasia. Last evaluated: 2021-07-20. Review status: no assertion criteria provided. Collection method: clinical testing. Allele origin: germline. Not counted in ClinVar's aggregate classification.

NM_014140.4(SMARCAL1):c.2260C>T (p.Arg754Cys)

Gene: SMARCAL1 (SNF2 related chromatin remodeling annealing helicase 1; plus strand). Cytogenetic location: 2q35.
Variant type: single nucleotide variant.
Coding change: c.2260C>T on transcript NM_014140.4 (MANE Select); coding-DNA position 2260, C replaced by T.
Protein change: p.Arg754Cys; replaces arginine 754 with cysteine.
Molecular consequence: missense variant.
Genome position (GRCh38, 1-based): chr2:216,475,284, C>T. VCF-style: chr2-216475284-C-T. GRCh37 (hg19) VCF-style: chr2-217340007-C-T.
Other names: c.2260C>T, p.Arg754Cys (NM_001127207.2); short protein forms R754C.
Identifiers: ClinVar variation 578256 (VCV000578256.7), dbSNP rs1226816517, ClinGen allele CA350503914.